The following is an entry in ClinVar:

NM_015338.6(ASXL1):c.910A>T (p.Ser304Cys)

Gene: ASXL1 (ASXL transcriptional regulator 1; plus strand). Cytogenetic location: 20q11.21.
Variant type: single nucleotide variant.
Coding change: c.910A>T on transcript NM_015338.6 (MANE Select); coding-DNA position 910, A replaced by T.
Protein change: p.Ser304Cys; replaces serine 304 with cysteine.
Molecular consequence: missense variant.
Genome position (GRCh38, 1-based): chr20:32,431,610, A>T. VCF-style: chr20-32431610-A-T. GRCh37 (hg19) VCF-style: chr20-31019413-A-T.
Other names: c.727A>T, p.Ser243Cys (NM_001363734.1); short protein forms S243C, S304C.
Identifiers: ClinVar variation 2143065 (VCV002143065.4), dbSNP rs146637943, ClinGen allele CA9808228.

ClinVar aggregate classification (germline): Uncertain significance (1 of 4 stars; one submission).

Allele frequency attached by ClinVar (database versions not stated): ExAC 0.00002; TOPMed 0.00004; gnomAD 0.00006; gnomAD exomes 0.00007; ESP Exome Variant Server 0.00023.
gnomAD v4.1: 111 of 1,614,012 alleles (0.0069%); highest among the groups gnomAD compares: Non-Finnish European, 0.0088%; no homozygotes.

Submission:

Labcorp Genetics (formerly Invitae), Labcorp
Classification: Uncertain significance. Last evaluated: 2023-05-29. Review status: criteria provided, single submitter. Criteria: Invitae Variant Classification Sherloc (09022015). Collection method: clinical testing. Allele origin: germline.
Comment: In summary, the available evidence is currently insufficient to determine the role of this variant in disease. Therefore, it has been classified as a Variant of Uncertain Significance. ClinVar contains an entry for this variant (Variation ID: 2143065). An algorithm developed to predict the effect of missense changes on protein structure and function (PolyPhen-2) suggests that this variant is likely to be disruptive. This sequence change replaces serine, which is neutral and polar, with cysteine, which is neutral and slightly polar, at codon 304 of the ASXL1 protein (p.Ser304Cys). This variant is present in population databases (rs146637943, gnomAD 0.003%). This variant has not been reported in the literature in individuals affected with ASXL1-related conditions.